The following is an entry in ClinVar:

NM_001042492.3(NF1):c.480G>T (p.Arg160Ser)

Gene: NF1 (neurofibromin 1; plus strand). Cytogenetic location: 17q11.2.
Variant type: single nucleotide variant.
Coding change: c.480G>T on transcript NM_001042492.3 (MANE Select); coding-DNA position 480, G replaced by T.
Protein change: p.Arg160Ser; replaces arginine 160 with serine.
Molecular consequence: missense variant.
Genome position (GRCh38, 1-based): chr17:31,169,891, G>T. VCF-style: chr17-31169891-G-T. GRCh37 (hg19) VCF-style: chr17-29496909-G-T.
Other names: c.480G>T, p.Arg160Ser (NM_000267.4, NM_001128147.3); short protein forms R160S.
Identifiers: ClinVar variation 825193 (VCV000825193.10), dbSNP rs1555607071, ClinGen allele CA398984630.

ClinVar aggregate classification (germline): Uncertain significance. Review status: criteria provided, multiple submitters, no conflicts (2 of 4 stars). 3 submissions from 3 submitters: Uncertain significance (3). Last evaluated 2024-06-29.

Conditions:
Hereditary cancer-predisposing syndrome. Also called: Neoplastic Syndromes, Hereditary; Hereditary Cancer Syndrome; Hereditary neoplastic syndrome; Tumor predisposition. Identifiers: Orphanet 140162, MedGen C0027672, MeSH D009386, MONDO:0015356.
Cardiovascular phenotype. Identifiers: MedGen CN230736.
Neurofibromatosis, type 1 (NF1). Also called: Neurofibromatosis, type I; Peripheral type neurofibromatosis; VON RECKLINGHAUSEN DISEASE; NEUROFIBROMATOSIS, TYPE I, SOMATIC. Identifiers: Orphanet 636, MedGen C0027831, MONDO:0018975, OMIM 162200. Disease mechanism: loss of function.

Submissions (3):

Labcorp Genetics (formerly Invitae), Labcorp
Classification: Uncertain significance for Neurofibromatosis, type 1. Last evaluated: 2024-06-29. Review status: criteria provided, single submitter. Criteria: Invitae Variant Classification Sherloc (09022015). Collection method: clinical testing. Allele origin: germline.
Comment: This sequence change replaces arginine, which is basic and polar, with serine, which is neutral and polar, at codon 160 of the NF1 protein (p.Arg160Ser). This variant is not present in population databases (gnomAD no frequency). This variant has not been reported in the literature in individuals affected with NF1-related conditions. ClinVar contains an entry for this variant (Variation ID: 825193). An algorithm developed to predict the effect of missense changes on protein structure and function (PolyPhen-2) suggests that this variant is likely to be tolerated. In summary, the available evidence is currently insufficient to determine the role of this variant in disease. Therefore, it has been classified as a Variant of Uncertain Significance.

Genome-Nilou Lab
Classification: Uncertain significance for Neurofibromatosis, type 1. Last evaluated: 2022-03-15. Review status: criteria provided, single submitter. Criteria: ACMG Guidelines, 2015. Collection method: clinical testing. Allele origin: germline. Affected: no.

Ambry Genetics
Classification: Uncertain significance for Cardiovascular phenotype; Hereditary cancer-predisposing syndrome. Last evaluated: 2019-07-24. Review status: criteria provided, single submitter. Criteria: Ambry Variant Classification Scheme 2023. Collection method: clinical testing. Allele origin: germline.
Comment: The p.R160S variant (also known as c.480G>T) is located in coding exon 5 of the NF1 gene. The arginine at codon 160 is replaced by serine, an amino acid with dissimilar properties. This change occurs in the first base pair of coding exon 5. This amino acid position is highly conserved in available vertebrate species. In addition, this alteration is predicted to be deleterious by in silico analysis. Since supporting evidence is limited at this time, the clinical significance of this alteration remains unclear.